The following is an entry in ClinVar:

NM_003073.5(SMARCB1):c.*2799G>A

Genes: DERL3 (derlin 3; minus strand), SMARCB1 (SWI/SNF related BAF chromatin remodeling complex subunit B1; plus strand). Cytogenetic location: 22q11.23.
Variant type: single nucleotide variant.
Coding change: c.*2799G>A on transcript NM_003073.5 (MANE Select); 2799 bases downstream of the stop codon, G replaced by A.
Molecular consequence: 3 prime UTR variant. On other transcripts: intron variant (3).
Genome position (GRCh38, 1-based): chr22:23,836,979, G>A. VCF-style: chr22-23836979-G-A. GRCh37 (hg19) VCF-style: chr22-24179166-G-A.
Other names: c.*2799G>A (NM_001007468.3, NM_001317946.2, NM_001362877.2); c.*81C>T (NM_198440.4); c.614+85C>T (NM_001135751.2, NM_001363072.2); c.615-17C>T (NM_001002862.3).
Identifiers: ClinVar variation 2652975 (VCV002652975.24), dbSNP rs7290412, ClinGen allele CA10146231.

ClinVar aggregate classification (germline): Benign (1 of 4 stars; one submission).

Allele frequency attached by ClinVar (database versions not stated): ExAC 0.00040; 1000 Genomes Project 30x 0.00062; 1000 Genomes Project 0.00080; ESP Exome Variant Server 0.00085; gnomAD 0.00096; TOPMed 0.00105.
gnomAD v4.1: 287 of 1,605,640 alleles (0.018%); highest among the groups gnomAD compares: African/African-American, 0.3%; 1 homozygote.

Submission:

CeGaT Center for Human Genetics Tuebingen
Classification: Benign. Last evaluated: 2022-05-01. Review status: criteria provided, single submitter. Criteria: CeGaT Center For Human Genetics Tuebingen Variant Classification Criteria Version 2. Collection method: clinical testing. Allele origin: germline. Affected: yes. Observed: 1 variant allele.
Comment: SMARCB1: BS1, BS2